The following is an entry in ClinVar:

ClinVar aggregate classification (germline): Uncertain significance (1 of 4 stars; one submission).

Submission:

Labcorp Genetics (formerly Invitae), Labcorp
Classification: Uncertain significance. Last evaluated: 2025-09-28. Review status: criteria provided, single submitter. Criteria: Invitae Variant Classification Sherloc (09022015). Collection method: clinical testing. Allele origin: germline.
Comment: This sequence change replaces aspartic acid, which is acidic and polar, with valine, which is neutral and non-polar, at codon 43 of the RP1L1 protein (p.Asp43Val). This variant is not present in population databases (gnomAD no frequency). This variant has not been reported in the literature in individuals affected with RP1L1-related conditions. Invitae Evidence Modeling of protein sequence and biophysical properties (such as structural, functional, and spatial information, amino acid conservation, physicochemical variation, residue mobility, and thermodynamic stability) has been performed for this missense variant. However, the output from this modeling did not meet the statistical confidence thresholds required to predict the impact of this variant on RP1L1 protein function. In summary, the available evidence is currently insufficient to determine the role of this variant in disease. Therefore, it has been classified as a Variant of Uncertain Significance.

NM_178857.6(RP1L1):c.128A>T (p.Asp43Val)

Gene: RP1L1 (RP1 like 1). Cytogenetic location: 8p23.1.
Variant type: single nucleotide variant.
Coding change: c.128A>T on transcript NM_178857.6 (MANE Select); coding-DNA position 128, A replaced by T.
Protein change: p.Asp43Val; replaces aspartic acid 43 with valine.
Molecular consequence: missense variant.
Genome position (GRCh38, 1-based): chr8:10,623,074, T>A on the plus strand (A>T on the coding strand, the complement: RP1L1 is on the minus strand). VCF-style: chr8-10623074-T-A. GRCh37 (hg19) VCF-style: chr8-10480584-T-A.
Other names: short protein forms D43V.
Identifiers: ClinVar variation 4741804 (VCV004741804.1).